The following is an entry in ClinVar:

ClinVar aggregate classification (germline): Uncertain significance. Review status: criteria provided, multiple submitters, no conflicts (2 of 4 stars). 2 submissions from 2 submitters: Uncertain significance (2). Last evaluated 2026-01-20.

Conditions:
Short stature-brachydactyly-obesity-global developmental delay syndrome. Also called: Short stature, brachydactyly, intellectual developmental disability, and seizures; SHORT STATURE, BRACHYDACTYLY, IMPAIRED INTELLECTUAL DEVELOPMENT, AND SEIZURES. Identifiers: Orphanet 464288, MedGen C4310689, MONDO:0014944, OMIM 617157.

gnomAD v4.1: 8 of 1,613,214 alleles (0.0005%); highest among the groups gnomAD compares: Non-Finnish European, 0.00068%; no homozygotes.

Submissions (2):

Labcorp Genetics (formerly Invitae), Labcorp
Classification: Uncertain significance. Last evaluated: 2026-01-20. Review status: criteria provided, single submitter. Criteria: Invitae Variant Classification Sherloc (09022015). Collection method: clinical testing. Allele origin: germline.
Comment: This sequence change replaces tyrosine, which is neutral and polar, with cysteine, which is neutral and slightly polar, at codon 650 of the PRMT7 protein (p.Tyr650Cys). This variant is not present in population databases (gnomAD no frequency). This variant has not been reported in the literature in individuals affected with PRMT7-related conditions. ClinVar contains an entry for this variant (Variation ID: 638359). An algorithm developed to predict the effect of missense changes on protein structure and function (PolyPhen-2) suggests that this variant is likely to be disruptive. In summary, the available evidence is currently insufficient to determine the role of this variant in disease. Therefore, it has been classified as a Variant of Uncertain Significance.

Genomic Research Center, Shahid Beheshti University of Medical Sciences
Classification: Uncertain significance for Short stature, brachydactyly, intellectual developmental disability, and seizures. Last evaluated: 2019-04-27. Review status: criteria provided, single submitter. Criteria: ACMG Guidelines, 2015. Collection method: clinical testing. Allele origin: inherited. Affected: yes.

NM_019023.5(PRMT7):c.1949A>G (p.Tyr650Cys)

Gene: PRMT7 (protein arginine methyltransferase 7; plus strand). Cytogenetic location: 16q22.1.
Variant type: single nucleotide variant.
Coding change: c.1949A>G on transcript NM_019023.5 (MANE Select); coding-DNA position 1949, A replaced by G.
Protein change: p.Tyr650Cys; replaces tyrosine 650 with cysteine.
Molecular consequence: missense variant. On other transcripts: non-coding transcript variant (12).
Genome position (GRCh38, 1-based): chr16:68,357,094, A>G. VCF-style: chr16-68357094-A-G. GRCh37 (hg19) VCF-style: chr16-68390997-A-G.
Other names: c.1799A>G, p.Tyr600Cys (NM_001184824.4); c.1949A>G, p.Tyr650Cys (NM_001290018.2, NM_001351143.3, NM_001378018.1); c.1952A>G, p.Tyr651Cys (NM_001351144.3); c.1742A>G, p.Tyr581Cys (NM_001378020.1); c.1712A>G, p.Tyr571Cys (NM_001378021.1, NM_001378022.1, NM_001378023.1); short protein forms Y650C, Y600C, Y651C, Y571C, Y581C.
Identifiers: ClinVar variation 638359 (VCV000638359.4), dbSNP rs1033540334, ClinGen allele CA283255893.